The following is an entry in ClinVar:

ClinVar aggregate classification (germline): Benign/Likely benign. Review status: criteria provided, multiple submitters, no conflicts (2 of 4 stars). 3 submissions from 3 submitters: Benign (1); Likely benign (2). Last evaluated 2025-08-30.

Conditions:
Hereditary cancer-predisposing syndrome. Also called: Hereditary neoplastic syndrome; Neoplastic Syndromes, Hereditary; Tumor predisposition; Hereditary Cancer Syndrome. Identifiers: Orphanet 140162, MedGen C0027672, MeSH D009386, MONDO:0015356.
Fanconi anemia complementation group J. Also called: BRIP1-Related Fanconi Anemia. Identifiers: Orphanet 84, MedGen C1836860, MONDO:0012187, OMIM 609054.
Familial cancer of breast. Also called: BREAST CANCER, FAMILIAL; hereditary breast carcinoma; Hereditary breast cancer. Identifiers: Orphanet 227535, MedGen C0346153, MONDO:0016419, OMIM 114480. Disease mechanism: loss of function.

Allele frequency attached by ClinVar (database versions not stated): gnomAD 0.00001.
gnomAD v4.1: 1 of 1,613,146 alleles (0.000062%); highest among the groups gnomAD compares: Admixed American, 0.0017%; no homozygotes.

Submissions (3):

Labcorp Genetics (formerly Invitae), Labcorp
Classification: Likely benign for Familial cancer of breast; Fanconi anemia complementation group J. Last evaluated: 2025-08-30. Review status: criteria provided, single submitter. Criteria: Invitae Variant Classification Sherloc (09022015). Collection method: clinical testing. Allele origin: germline.

Myriad Genetics, Inc.
Classification: Benign for Familial cancer of breast. Last evaluated: 2024-09-05. Review status: criteria provided, single submitter. Criteria: Myriad Autosomal Dominant, Autosomal Recessive and X-Linked Classification Criteria (2023). Collection method: clinical testing. Allele origin: unknown.
Comment: This variant is considered benign. This variant is a silent/synonymous amino acid change and it is not expected to impact splicing.

Ambry Genetics
Classification: Likely benign for Hereditary cancer-predisposing syndrome. Last evaluated: 2016-03-08. Review status: criteria provided, single submitter. Criteria: Ambry Variant Classification Scheme 2023. Collection method: clinical testing. Allele origin: germline.

NM_032043.3(BRIP1):c.2514T>C (p.Asp838=)

Gene: BRIP1 (BRCA1 interacting DNA helicase 1; minus strand). Cytogenetic location: 17q23.2.
Variant type: single nucleotide variant.
Coding change: c.2514T>C on transcript NM_032043.3 (MANE Select); coding-DNA position 2514, T replaced by C.
Protein change: p.Asp838=; no amino-acid change (aspartic acid 838 retained).
Molecular consequence: synonymous variant.
Genome position (GRCh38, 1-based): chr17:61,693,491, A>G on the plus strand (T>C on the coding strand, the complement: BRIP1 is on the minus strand). VCF-style: chr17-61693491-A-G. GRCh37 (hg19) VCF-style: chr17-59770852-A-G.
Identifiers: ClinVar variation 461115 (VCV000461115.18), dbSNP rs1555574808, ClinGen allele CA501144738.